The following is an entry in ClinVar:

ClinVar aggregate classification (germline): Uncertain significance (1 of 4 stars; one submission).

Conditions:
Combined immunodeficiency due to LRBA deficiency. Also called: Common variable immunodeficiency 8, with autoimmunity. Identifiers: Orphanet 445018, MedGen C3553512, MONDO:0013863, OMIM 614700.

Allele frequency attached by ClinVar (database versions not stated): gnomAD exomes 0.00001 and 0.00003; ExAC 0.00003; gnomAD 0.00009 and 0.00010; TOPMed 0.00011; ESP Exome Variant Server 0.00015.
gnomAD v4.1: 26 of 1,612,426 alleles (0.0016%); highest among the groups gnomAD compares: African/African-American, 0.035%; no homozygotes.

Submission:

Labcorp Genetics (formerly Invitae), Labcorp
Classification: Uncertain significance for Combined immunodeficiency due to LRBA deficiency. Last evaluated: 2025-04-07. Review status: criteria provided, single submitter. Criteria: Invitae Variant Classification Sherloc (09022015). Collection method: clinical testing. Allele origin: germline.
Comment: This sequence change replaces alanine, which is neutral and non-polar, with serine, which is neutral and polar, at codon 2336 of the LRBA protein (p.Ala2336Ser). This variant is present in population databases (rs61742065, gnomAD 0.04%). This variant has not been reported in the literature in individuals affected with LRBA-related conditions. ClinVar contains an entry for this variant (Variation ID: 643063). Invitae Evidence Modeling of protein sequence and biophysical properties (such as structural, functional, and spatial information, amino acid conservation, physicochemical variation, residue mobility, and thermodynamic stability) indicates that this missense variant is not expected to disrupt LRBA protein function with a negative predictive value of 80%. In summary, the available evidence is currently insufficient to determine the role of this variant in disease. Therefore, it has been classified as a Variant of Uncertain Significance.

NM_001364905.1(LRBA):c.6973G>T (p.Ala2325Ser)

Gene: LRBA (LPS responsive beige-like anchor protein; minus strand). Cytogenetic location: 4q31.3.
Variant type: single nucleotide variant.
Coding change: c.6973G>T on transcript NM_001364905.1 (MANE Select); coding-DNA position 6973, G replaced by T.
Protein change: p.Ala2325Ser; replaces alanine 2325 with serine.
Molecular consequence: missense variant.
Genome position (GRCh38, 1-based): chr4:150,435,657, C>A on the plus strand (G>T on the coding strand, the complement: LRBA is on the minus strand). VCF-style: chr4-150435657-C-A. GRCh37 (hg19) VCF-style: chr4-151356809-C-A.
Other names: c.6973G>T, p.Ala2325Ser (NM_001199282.3, NM_001367550.1); c.7006G>T, p.Ala2336Ser (NM_006726.5); short protein forms A2336S, A2325S.
Identifiers: ClinVar variation 643063 (VCV000643063.7), dbSNP rs61742065, ClinGen allele CA3101764.
Genomic context (GRCh38, chr4:150,435,657, plus strand): 5'-CAGAGGTATCACGCTGACTGTTTCGCCAAGCTCTGGAAATTGATGAAAAAGTTCGATCTG[C>A]ATGATCAAATTTGCCTCCTTGCAAATTTAGGAAATAAGTTGTAAAGGGTTCCTAAAAAAT-3'
Protein context (NP_001351834.1, residues 2315-2335): LNLQGGKFDH[Ala2325Ser]DRTFSSISRA